The following is an entry in ClinVar:

ClinVar aggregate classification (germline): Benign/Likely benign. Review status: criteria provided, multiple submitters, no conflicts (2 of 4 stars). 6 submissions from 6 submitters: Benign (2); Likely benign (3). 1 of the submissions does not count toward it. Last evaluated 2026-01-20.

Conditions:
AIFM1-related disorder. Also called: AIFM1-related condition.
Inborn genetic diseases. Identifiers: MedGen C0950123, MeSH D030342.
Combined oxidative phosphorylation deficiency. Identifiers: MedGen C4540031, MONDO:0000732.
Charcot-Marie-Tooth Neuropathy X. Identifiers: MedGen CN118851.

Allele frequency attached by ClinVar (database versions not stated): gnomAD exomes 0.00015 and 0.00040; ExAC 0.00051; ESP Exome Variant Server 0.00057; gnomAD 0.00119 and 0.00123; TOPMed 0.00133; 1000 Genomes Project 0.00265; 1000 Genomes Project 30x 0.00271.
gnomAD v4.1: 295 of 1,206,940 alleles (0.024%); highest among the groups gnomAD compares: African/African-American, 0.49%; 1 homozygote.

Submissions (6):

Labcorp Genetics (formerly Invitae), Labcorp
Classification: Benign for Charcot-Marie-Tooth Neuropathy X; Combined oxidative phosphorylation deficiency. Last evaluated: 2026-01-20. Review status: criteria provided, single submitter. Criteria: Invitae Variant Classification Sherloc (09022015). Collection method: clinical testing. Allele origin: germline.

Blueprint Genetics
Classification: Likely benign. Last evaluated: 2024-08-28. Review status: criteria provided, single submitter. Criteria: ACMG Guidelines, 2015. Collection method: clinical testing. Allele origin: germline.

ARUP Laboratories, Molecular Genetics and Genomics, ARUP Laboratories
Classification: Likely benign. Last evaluated: 2023-11-06. Review status: criteria provided, single submitter. Criteria: ARUP Molecular Germline Variant Investigation Process 2024. Collection method: clinical testing. Allele origin: germline.

Ambry Genetics
Classification: Likely benign for Inborn genetic diseases. Last evaluated: 2019-07-11. Review status: criteria provided, single submitter. Criteria: Ambry Variant Classification Scheme 2023. Collection method: clinical testing. Allele origin: germline.

GeneDx
Classification: Benign. Last evaluated: 2019-01-21. Review status: criteria provided, single submitter. Criteria: GeneDx Variant Classification Process June 2021. Collection method: clinical testing. Allele origin: germline. Affected: yes.

PreventionGenetics, part of Exact Sciences
Classification: Benign for AIFM1-related condition. Last evaluated: 2024-03-05. Review status: no assertion criteria provided. Collection method: clinical testing. Allele origin: germline. Not counted in ClinVar's aggregate classification.
Comment: This variant is classified as benign based on ACMG/AMP sequence variant interpretation guidelines (Richards et al. 2015 PMID: 25741868, with internal and published modifications).

NM_004208.4(AIFM1):c.948C>A (p.Ala316=)

Genes: AIFM1 (apoptosis inducing factor mitochondria associated 1; minus strand), RAB33A (RAB33A, member RAS oncogene family; plus strand). Cytogenetic location: Xq26.1.
Variant type: single nucleotide variant.
Coding change: c.948C>A on transcript NM_004208.4 (MANE Select); coding-DNA position 948, C replaced by A.
Protein change: p.Ala316=; no amino-acid change (alanine 316 retained).
Molecular consequence: synonymous variant. On other transcripts: non-coding transcript variant (1).
Genome position (GRCh38, 1-based): chrX:130,138,612, G>T on the plus strand (C>A on the coding strand, the complement: AIFM1 is on the minus strand). VCF-style: chrX-130138612-G-T. GRCh37 (hg19) VCF-style: chrX-129272587-G-T.
Other names: c.948C>A, p.Ala316= (NM_001130847.4); c.936C>A, p.Ala312= (NM_145812.3).
Identifiers: ClinVar variation 516100 (VCV000516100.58), dbSNP rs148184613, ClinGen allele CA10515370.